The following is an entry in ClinVar:

ClinVar aggregate classification (germline): Uncertain significance (1 of 4 stars; one submission).

Allele frequency attached by ClinVar (database versions not stated): ExAC 0.00002; gnomAD exomes 0.00002; TOPMed 0.00003; gnomAD 0.00004; 1000 Genomes Project 0.00020; 1000 Genomes Project 30x 0.00031.

Submission:

Labcorp Genetics (formerly Invitae), Labcorp
Classification: Uncertain significance. Last evaluated: 2025-12-25. Review status: criteria provided, single submitter. Criteria: Invitae Variant Classification Sherloc (09022015). Collection method: clinical testing. Allele origin: germline.
Comment: This sequence change replaces arginine, which is basic and polar, with cysteine, which is neutral and slightly polar, at codon 130 of the DNAJC17 protein (p.Arg130Cys). This variant is present in population databases (rs534789773, gnomAD 0.01%). This variant has not been reported in the literature in individuals affected with DNAJC17-related conditions. ClinVar contains an entry for this variant (Variation ID: 1448582). An algorithm developed to predict the effect of missense changes on protein structure and function (PolyPhen-2) suggests that this variant is likely to be disruptive. In summary, the available evidence is currently insufficient to determine the role of this variant in disease. Therefore, it has been classified as a Variant of Uncertain Significance.

NM_018163.3(DNAJC17):c.388C>T (p.Arg130Cys)

Gene: DNAJC17 (DnaJ heat shock protein family (Hsp40) member C17; minus strand). Cytogenetic location: 15q15.1.
Variant type: single nucleotide variant.
Coding change: c.388C>T on transcript NM_018163.3 (MANE Select); coding-DNA position 388, C replaced by T.
Protein change: p.Arg130Cys; replaces arginine 130 with cysteine.
Molecular consequence: missense variant.
Genome position (GRCh38, 1-based): chr15:40,776,286, G>A on the plus strand (C>T on the coding strand, the complement: DNAJC17 is on the minus strand). VCF-style: chr15-40776286-G-A. GRCh37 (hg19) VCF-style: chr15-41068484-G-A.
Other names: short protein forms R130C.
Identifiers: ClinVar variation 1448582 (VCV001448582.6), dbSNP rs534789773, ClinGen allele CA7485161.